The following is an entry in ClinVar:

NM_005901.6(SMAD2):c.1322A>C (p.His441Pro)

Gene: SMAD2 (SMAD family member 2; minus strand). Cytogenetic location: 18q21.1.
Variant type: single nucleotide variant.
Coding change: c.1322A>C on transcript NM_005901.6 (MANE Select); coding-DNA position 1322, A replaced by C.
Protein change: p.His441Pro; replaces histidine 441 with proline.
Molecular consequence: missense variant.
Genome position (GRCh38, 1-based): chr18:47,841,909, T>G on the plus strand (A>C on the coding strand, the complement: SMAD2 is on the minus strand). VCF-style: chr18-47841909-T-G. GRCh37 (hg19) VCF-style: chr18-45368280-T-G.
Other names: c.1322A>C, p.His441Pro (NM_001003652.4); c.1232A>C, p.His411Pro (NM_001135937.3); short protein forms H411P, H441P.
Identifiers: ClinVar variation 1698345 (VCV001698345.2), dbSNP rs2144276748, ClinGen allele CA402502662.

ClinVar aggregate classification (germline): Uncertain significance (1 of 4 stars; one submission).

Submission:

GeneDx
Classification: Uncertain significance. Last evaluated: 2022-01-25. Review status: criteria provided, single submitter. Criteria: GeneDx Variant Classification Process June 2021. Collection method: clinical testing. Allele origin: germline. Affected: yes.
Comment: Not observed at significant frequency in large population cohorts (gnomAD); In silico analysis supports that this missense variant has a deleterious effect on protein structure/function; Has not been previously published as pathogenic or benign to our knowledge